The following is an entry in ClinVar:

ClinVar aggregate classification (germline): Uncertain significance (1 of 4 stars; one submission).

Submission:

GeneDx
Classification: Uncertain significance. Last evaluated: 2024-07-22. Review status: criteria provided, single submitter. Criteria: GeneDx Variant Classification Process June 2021. Collection method: clinical testing. Allele origin: germline. Affected: yes.
Comment: Not observed at significant frequency in large population cohorts (gnomAD); In-frame deletion of 3 amino acids in a non-repeat region; In silico analysis indicates that this variant does not alter protein structure/function; Has not been previously published as pathogenic or benign to our knowledge

NM_001429.4(EP300):c.6184_6192del (p.Ser2062_Pro2064del)

Gene: EP300 (E1A binding protein p300; plus strand). Cytogenetic location: 22q13.2.
Variant type: Deletion.
Coding change: c.6184_6192del on transcript NM_001429.4 (MANE Select); coding-DNA positions 6184 to 6192, 9 bases deleted (AGCTCTCCC; older notation c.6184_6192delAGCTCTCCC).
Protein change: p.Ser2062_Pro2064del.
Genome position (GRCh38, 1-based): chr22:41,177,895-41,177,903, AGCTCTCCC deleted; deleting any 9 consecutive bases within chr22:41,177,889-41,177,903 gives the same sequence; the c. name uses the placement nearest the transcript's 3' end. VCF-style (leftmost placement, unchanged base first): chr22-41177888-GTCTCCCAGC-G. GRCh37 (hg19) VCF-style: chr22-41573892-GTCTCCCAGC-G.
Other names: c.6106_6114del, p.Ser2036_Pro2038del (NM_001362843.2).
Identifiers: ClinVar variation 3600781 (VCV003600781.1).